The following is an entry in ClinVar:

ClinVar aggregate classification (germline): Likely benign. Review status: criteria provided, multiple submitters, no conflicts (2 of 4 stars). 6 submissions from 6 submitters: Likely benign (6). Last evaluated 2025-09-20.

Conditions:
Cardiovascular phenotype. Identifiers: MedGen CN230736.
Charcot-Marie-Tooth disease. Also called: Charcot-Marie-Tooth Neuropathy; Charcot-Marie-Tooth Hereditary Neuropathy. Identifiers: Orphanet 166, MedGen C0007959, MONDO:0015626.
Charcot-Marie-Tooth disease type 2. Also called: Charcot-Marie-Tooth type 2. Identifiers: Orphanet 64746, MedGen C0270914, MONDO:0018993.
Primary dilated cardiomyopathy (DCM). Also called: Dilated Cardiomyopathy. Identifiers: Orphanet 217604, MedGen C0007193, MeSH D002311, MONDO:0005021, HP:0001644. Inheritance: Various modes of inheritance.
Cardiomyopathy (CMYO). Also called: Cardiomyopathies. Identifiers: Orphanet 167848, MedGen C0878544, MONDO:0004994, HP:0001638. Inheritance: Various modes of inheritance.

Allele frequency attached by ClinVar (database versions not stated): gnomAD exomes 0.00001 and 0.00004; TOPMed 0.00001; gnomAD 0.00002; ExAC 0.00001.
gnomAD v4.1: 56 of 1,614,004 alleles (0.0035%); highest among the groups gnomAD compares: Non-Finnish European, 0.0047%; no homozygotes.

Submissions (6):

Labcorp Genetics (formerly Invitae), Labcorp
Classification: Likely benign for Charcot-Marie-Tooth disease type 2. Last evaluated: 2025-09-20. Review status: criteria provided, single submitter. Criteria: Invitae Variant Classification Sherloc (09022015). Collection method: clinical testing. Allele origin: germline.

All of Us Research Program, National Institutes of Health
Classification: Likely benign for Primary dilated cardiomyopathy. Last evaluated: 2023-12-01. Review status: criteria provided, single submitter. Criteria: ACMG Guidelines, 2015. Collection method: clinical testing. Allele origin: germline. Inheritance: Autosomal dominant inheritance. Observed: 1 variant allele, 1 heterozygote.
Comment: This study involves interpretation of variants in research participants for the purpose of population health screening. Participant phenotype was not available at the time of variant classification. Additional details can be found in publication PMID: 35346344, PMCID: PMC8962531

Color Diagnostics, LLC DBA Color Health
Classification: Likely benign for Cardiomyopathy. Last evaluated: 2018-12-01. Review status: criteria provided, single submitter. Criteria: ACMG Guidelines, 2015. Collection method: clinical testing. Allele origin: germline.

Athena Diagnostics
Classification: Likely benign. Last evaluated: 2018-05-16. Review status: criteria provided, single submitter. Criteria: Athena Diagnostics Criteria. Collection method: clinical testing. Allele origin: germline.

Ambry Genetics
Classification: Likely benign for Cardiovascular phenotype. Last evaluated: 2017-01-14. Review status: criteria provided, single submitter. Criteria: Ambry Variant Classification Scheme 2023. Collection method: clinical testing. Allele origin: germline.

Molecular Genetics Laboratory, London Health Sciences Centre
Classification: Likely benign for Charcot-Marie-Tooth disease. Review status: criteria provided, single submitter. Criteria: ACMG Guidelines, 2015. Collection method: clinical testing. Allele origin: germline. Affected: yes.

Literature cited by the submitters: PubMed 25049529 (cited by Athena Diagnostics).

NM_170707.4(LMNA):c.579T>C (p.Ala193=)

Gene: LMNA (lamin A/C; plus strand). Cytogenetic location: 1q22.
Variant type: single nucleotide variant.
Coding change: c.579T>C on transcript NM_170707.4 (MANE Select); coding-DNA position 579, T replaced by C.
Protein change: p.Ala193=; no amino-acid change (alanine 193 retained).
Molecular consequence: synonymous variant.
Genome position (GRCh38, 1-based): chr1:156,134,468, T>C. VCF-style: chr1-156134468-T-C. GRCh37 (hg19) VCF-style: chr1-156104259-T-C.
Other names: c.243T>C, p.Ala81= (NM_001257374.3); c.336T>C, p.Ala112= (NM_001282624.2); c.579T>C, p.Ala193= (NM_001282625.2, NM_001282626.2, NM_005572.4 and 1 more transcripts).
Identifiers: ClinVar variation 519381 (VCV000519381.18), dbSNP rs749728556, ClinGen allele CA053797.